The following is an entry in ClinVar:

ClinVar aggregate classification (germline): Uncertain significance (1 of 4 stars; one submission).

Allele frequency attached by ClinVar (database versions not stated): gnomAD exomes below 0.00001 and 0.00001; ExAC 0.00001; gnomAD 0.00001.
gnomAD v4.1: 6 of 1,613,892 alleles (0.00037%); highest among the groups gnomAD compares: South Asian, 0.0022%; no homozygotes.

Submission:

Labcorp Genetics (formerly Invitae), Labcorp
Classification: Uncertain significance. Last evaluated: 2022-06-15. Review status: criteria provided, single submitter. Criteria: Invitae Variant Classification Sherloc (09022015). Collection method: clinical testing. Allele origin: germline.
Comment: In summary, the available evidence is currently insufficient to determine the role of this variant in disease. Therefore, it has been classified as a Variant of Uncertain Significance. Algorithms developed to predict the effect of missense changes on protein structure and function (SIFT, PolyPhen-2, Align-GVGD) all suggest that this variant is likely to be tolerated. This variant has not been reported in the literature in individuals affected with POLR3A-related conditions. This variant is present in population databases (rs760265367, gnomAD 0.002%). This sequence change replaces glutamine, which is neutral and polar, with arginine, which is basic and polar, at codon 1272 of the POLR3A protein (p.Gln1272Arg).

NM_007055.4(POLR3A):c.3815A>G (p.Gln1272Arg)

Gene: POLR3A (RNA polymerase III subunit A; minus strand). Cytogenetic location: 10q22.3.
Variant type: single nucleotide variant.
Coding change: c.3815A>G on transcript NM_007055.4 (MANE Select); coding-DNA position 3815, A replaced by G.
Protein change: p.Gln1272Arg; replaces glutamine 1272 with arginine.
Molecular consequence: missense variant.
Genome position (GRCh38, 1-based): chr10:77,981,504, T>C on the plus strand (A>G on the coding strand, the complement: POLR3A is on the minus strand). VCF-style: chr10-77981504-T-C. GRCh37 (hg19) VCF-style: chr10-79741262-T-C.
Other names: short protein forms Q1272R.
Identifiers: ClinVar variation 1505307 (VCV001505307.6), dbSNP rs760265367, ClinGen allele CA5570688.